The following is an entry in ClinVar:

ClinVar aggregate classification (germline): Uncertain significance (1 of 4 stars; one submission).

Conditions:
Hereditary cancer-predisposing syndrome. Also called: Neoplastic Syndromes, Hereditary; Tumor predisposition; Hereditary Cancer Syndrome; Hereditary neoplastic syndrome. Identifiers: Orphanet 140162, MedGen C0027672, MeSH D009386, MONDO:0015356.

Submission:

Ambry Genetics
Classification: Uncertain significance for Hereditary cancer-predisposing syndrome. Last evaluated: 2025-12-16. Review status: criteria provided, single submitter. Criteria: Ambry Variant Classification Scheme 2023. Collection method: clinical testing. Allele origin: germline.
Comment: The p.M273T variant (also known as c.818T>C), located in coding exon 6 of the BRIP1 gene, results from a T to C substitution at nucleotide position 818. The methionine at codon 273 is replaced by threonine, an amino acid with similar properties. This amino acid position is conserved. In addition, the in silico prediction for this alteration is inconclusive. Based on the available evidence, the clinical significance of this variant remains unclear.

NM_032043.3(BRIP1):c.818T>C (p.Met273Thr)

Gene: BRIP1 (BRCA1 interacting DNA helicase 1; minus strand). Cytogenetic location: 17q23.2.
Variant type: single nucleotide variant.
Coding change: c.818T>C on transcript NM_032043.3 (MANE Select); coding-DNA position 818, T replaced by C.
Protein change: p.Met273Thr; replaces methionine 273 with threonine.
Molecular consequence: missense variant.
Genome position (GRCh38, 1-based): chr17:61,808,567, A>G on the plus strand (T>C on the coding strand, the complement: BRIP1 is on the minus strand). VCF-style: chr17-61808567-A-G. GRCh37 (hg19) VCF-style: chr17-59885928-A-G.
Other names: short protein forms M273T.
Identifiers: ClinVar variation 4842392 (VCV004842392.1).
Genomic context (GRCh38, chr17:61,808,567, plus strand): 5'-TTGAAGTTACCGACTACCTCAGGATGGACACAAGTATGATCCCTGCTGGAAAGAATAGTC[A>G]TTGGAACCCCTGAATATGCCGTCCTCCGGAGCTCTCTAGTAATCTGAGCAATCTGCTTGT-3'
Protein context (NP_114432.2, residues 263-283): LRRTAYSGVP[Met273Thr]TILSSRDHTC